The following is an entry in ClinVar:

NM_004519.4(KCNQ3):c.1236-64C>T

Gene: KCNQ3 (potassium voltage-gated channel subfamily Q member 3; minus strand). Cytogenetic location: 8q24.22.
Variant type: single nucleotide variant.
Coding change: c.1236-64C>T on transcript NM_004519.4 (MANE Select); 64 bases into the intron before coding-DNA position 1236, C replaced by T.
Molecular consequence: intron variant.
Genome position (GRCh38, 1-based): chr8:132,163,558, G>A on the plus strand (C>T on the coding strand, the complement: KCNQ3 is on the minus strand). VCF-style: chr8-132163558-G-A. GRCh37 (hg19) VCF-style: chr8-133175805-G-A.
Other names: c.876-64C>T (NM_001204824.2).
Identifiers: ClinVar variation 670823 (VCV000670823.2), dbSNP rs17653354, ClinGen allele CA12798892.
Genomic context (GRCh38, chr8:132,163,558, plus strand): 5'-GAAAGAGAAGAGGGAGAAAAAATAAAGCATAAATTACGTGAAACAGCTGTATCCTTCCTC[G>A]AAAGATTGCTGCAAAGCTTCTCTCTGAAGATGATGGAGCAGAGTTGAGCTCTAGGACAGG-3'

ClinVar aggregate classification (germline): Benign. Review status: criteria provided, multiple submitters, no conflicts (2 of 4 stars). 2 submissions from 2 submitters: Benign (2). Last evaluated 2018-06-19.

Allele frequency attached by ClinVar (database versions not stated): 1000 Genomes Project 30x 0.02327; 1000 Genomes Project 0.02416; TOPMed 0.04525; gnomAD 0.05111 and 0.05299; ESP Exome Variant Server 0.05563.
gnomAD v4.1: 82,256 of 1,312,784 alleles (6.3%); highest among the groups gnomAD compares: Non-Finnish European, 7.3%; 2,980 homozygotes.

Submissions (2):

GeneDx
Classification: Benign. Last evaluated: 2018-06-19. Review status: criteria provided, single submitter. Criteria: GeneDx Variant Classification (06012015). Collection method: clinical testing. Allele origin: germline. Affected: yes.
Comment: This variant is considered likely benign or benign based on one or more of the following criteria: it is a conservative change, it occurs at a poorly conserved position in the protein, it is predicted to be benign by multiple in silico algorithms, and/or has population frequency not consistent with disease.

Breakthrough Genomics
Classification: Benign. Review status: criteria provided, single submitter. Criteria: ACMG Guidelines, 2015. Collection method: not provided. Allele origin: germline. Inheritance: Autosomal dominant inheritance. Affected: yes.